The following is an entry in ClinVar:

NM_006421.5(ARFGEF1):c.4506C>T (p.Asn1502=)

Gene: ARFGEF1 (ARF guanine nucleotide exchange factor 1; minus strand). Cytogenetic location: 8q13.2.
Variant type: single nucleotide variant.
Coding change: c.4506C>T on transcript NM_006421.5 (MANE Select); coding-DNA position 4506, C replaced by T.
Protein change: p.Asn1502=; no amino-acid change (asparagine 1502 retained).
Molecular consequence: synonymous variant. On other transcripts: non-coding transcript variant (1).
Genome position (GRCh38, 1-based): chr8:67,217,889, G>A on the plus strand (C>T on the coding strand, the complement: ARFGEF1 is on the minus strand). VCF-style: chr8-67217889-G-A. GRCh37 (hg19) VCF-style: chr8-68130124-G-A.
Other names: c.3906C>T, p.Asn1302= (NM_001413197.1, NM_001413193.1, NM_001413188.1); c.4506C>T, p.Asn1502= (NM_001413192.1, NM_001413194.1, NM_001413184.1 and 5 more transcripts); c.3081C>T, p.Asn1027= (NM_001413196.1); c.4500C>T, p.Asn1500= (NM_001413190.1).
Identifiers: ClinVar variation 3778139 (VCV003778139.7).

ClinVar aggregate classification (germline): Likely benign (1 of 4 stars; one submission).

gnomAD v4.1: 100 of 1,613,944 alleles (0.0062%); highest among the groups gnomAD compares: African/African-American, 0.093%; no homozygotes.

Submission:

CeGaT Center for Human Genetics Tuebingen
Classification: Likely benign. Last evaluated: 2025-03-01. Review status: criteria provided, single submitter. Criteria: CeGaT Center For Human Genetics Tuebingen Variant Classification Criteria Version 2. Collection method: clinical testing. Allele origin: germline. Affected: yes. Observed: 1 variant allele.
Comment: ARFGEF1: BP4, BP7